The following is an entry in ClinVar:

ClinVar aggregate classification (germline): Uncertain significance. Review status: criteria provided, multiple submitters, no conflicts (2 of 4 stars). 2 submissions from 2 submitters: Uncertain significance (2). Last evaluated 2025-06-16.

Conditions:
Inborn genetic diseases. Identifiers: MedGen C0950123, MeSH D030342.

Allele frequency attached by ClinVar (database versions not stated): gnomAD exomes 0.00001.
gnomAD v4.1: 3 of 1,613,668 alleles (0.00019%); highest among the groups gnomAD compares: Admixed American, 0.0017%; no homozygotes.

Submissions (2):

Ambry Genetics
Classification: Uncertain significance for Inborn genetic diseases. Last evaluated: 2025-06-16. Review status: criteria provided, single submitter. Criteria: Ambry Variant Classification Scheme 2023. Collection method: clinical testing. Allele origin: germline.

Labcorp Genetics (formerly Invitae), Labcorp
Classification: Uncertain significance. Last evaluated: 2022-07-25. Review status: criteria provided, single submitter. Criteria: Invitae Variant Classification Sherloc (09022015). Collection method: clinical testing. Allele origin: germline.
Comment: This sequence change replaces proline, which is neutral and non-polar, with serine, which is neutral and polar, at codon 59 of the TUBGCP6 protein (p.Pro59Ser). This variant is not present in population databases (gnomAD no frequency). In summary, the available evidence is currently insufficient to determine the role of this variant in disease. Therefore, it has been classified as a Variant of Uncertain Significance. Algorithms developed to predict the effect of missense changes on protein structure and function output the following: SIFT: "Tolerated"; PolyPhen-2: "Benign"; Align-GVGD: "Class C0". The serine amino acid residue is found in multiple mammalian species, which suggests that this missense change does not adversely affect protein function. This variant has not been reported in the literature in individuals affected with TUBGCP6-related conditions.

NM_020461.4(TUBGCP6):c.175C>T (p.Pro59Ser)

Gene: TUBGCP6 (tubulin gamma complex component 6; minus strand). Cytogenetic location: 22q13.33.
Variant type: single nucleotide variant.
Coding change: c.175C>T on transcript NM_020461.4 (MANE Select); coding-DNA position 175, C replaced by T.
Protein change: p.Pro59Ser; replaces proline 59 with serine.
Molecular consequence: missense variant.
Genome position (GRCh38, 1-based): chr22:50,244,285, G>A on the plus strand (C>T on the coding strand, the complement: TUBGCP6 is on the minus strand). VCF-style: chr22-50244285-G-A. GRCh37 (hg19) VCF-style: chr22-50682714-G-A.
Other names: c.175C>T (NM_020461.3); short protein forms P59S.
Identifiers: ClinVar variation 2097352 (VCV002097352.5), dbSNP rs1331905043, ClinGen allele CA412116824.